The following is an entry in ClinVar:

ClinVar aggregate classification (germline): Pathogenic (1 of 4 stars; one submission).

Conditions:
Oculofaciocardiodental syndrome (MCOPS2). Identifiers: Orphanet 2712, MedGen C1846265, MONDO:0010261, OMIM 300166.

Submission:

Labcorp Genetics (formerly Invitae), Labcorp
Classification: Pathogenic for Oculofaciocardiodental syndrome. Last evaluated: 2025-09-28. Review status: criteria provided, single submitter. Criteria: Invitae Variant Classification Sherloc (09022015). Collection method: clinical testing. Allele origin: germline.
Comment: This sequence change creates a premature translational stop signal (p.Ala462Phefs*9) in the BCOR gene. It is expected to result in an absent or disrupted protein product. Loss-of-function variants in BCOR are known to be pathogenic (PMID: 15004558, 19367324). This variant is not present in population databases (gnomAD no frequency). This variant has not been reported in the literature in individuals affected with BCOR-related conditions. For these reasons, this variant has been classified as Pathogenic.

Literature cited by the submitters: PubMed 15004558; PubMed 19367324.

NM_001123385.2(BCOR):c.1384_1399del (p.Ala462fs)

Genes: BCOR (BCL6 corepressor; minus strand), LOC126863239 (MED14-independent group 3 enhancer GRCh37_chrX:39932994-39934193; plus strand). Cytogenetic location: Xp11.4.
Variant type: Deletion.
Coding change: c.1384_1399del on transcript NM_001123385.2 (MANE Select); coding-DNA positions 1384 to 1399, 16 bases deleted (GCTCCCACGGTCCTGG).
Protein change: p.Ala462fs; shifts the reading frame from alanine 462.
Molecular consequence: frameshift variant.
Genome position (GRCh38, 1-based): chrX:40,073,947-40,073,962, CCAGGACCGTGGGAGC deleted on the plus strand (GCTCCCACGGTCCTGG on the coding strand, the reverse complement: BCOR is on the minus strand); deleting any 16 consecutive bases within chrX:40,073,947-40,073,963 gives the same sequence; the c. name uses the placement nearest the transcript's 3' end. VCF-style (leftmost placement, unchanged base first): chrX-40073946-ACCAGGACCGTGGGAGC-A. GRCh37 (hg19) VCF-style: chrX-39933199-ACCAGGACCGTGGGAGC-A.
Other names: c.1384_1399del, p.Ala462fs (NM_017745.6, NM_001123383.2, NM_001123384.2 and 4 more transcripts); short protein forms A462fs.
Identifiers: ClinVar variation 4727979 (VCV004727979.1).